The following is an entry in ClinVar:

ClinVar aggregate classification (germline): Uncertain significance (1 of 4 stars; one submission).

gnomAD v4.1: 18 of 1,613,284 alleles (0.0011%); highest among the groups gnomAD compares: Non-Finnish European, 0.0015%; no homozygotes.

Submission:

Labcorp Genetics (formerly Invitae), Labcorp
Classification: Uncertain significance. Last evaluated: 2024-02-05. Review status: criteria provided, single submitter. Criteria: Invitae Variant Classification Sherloc (09022015). Collection method: clinical testing. Allele origin: germline.
Comment: This sequence change replaces valine, which is neutral and non-polar, with methionine, which is neutral and non-polar, at codon 204 of the CHRM2 protein (p.Val204Met). This variant is present in population databases (no rsID available, gnomAD 0.0009%). This variant has not been reported in the literature in individuals affected with CHRM2-related conditions. An algorithm developed to predict the effect of missense changes on protein structure and function (PolyPhen-2) suggests that this variant is likely to be disruptive. In summary, the available evidence is currently insufficient to determine the role of this variant in disease. Therefore, it has been classified as a Variant of Uncertain Significance.

NM_001006630.2(CHRM2):c.610G>A (p.Val204Met)

Genes: CHRM2 (cholinergic receptor muscarinic 2; plus strand), LOC349160 (uncharacterized LOC349160; minus strand). Cytogenetic location: 7q33.
Variant type: single nucleotide variant.
Coding change: c.610G>A on transcript NM_001006630.2 (MANE Select); coding-DNA position 610, G replaced by A.
Protein change: p.Val204Met; replaces valine 204 with methionine.
Molecular consequence: missense variant.
Genome position (GRCh38, 1-based): chr7:137,015,475, G>A. VCF-style: chr7-137015475-G-A. GRCh37 (hg19) VCF-style: chr7-136700222-G-A.
Other names: c.610G>A, p.Val204Met (NM_001006631.3, NM_001006632.3, NM_001378972.1 and 6 more transcripts); short protein forms V204M.
Identifiers: ClinVar variation 3620449 (VCV003620449.2).